The following is an entry in ClinVar:

ClinVar aggregate classification (germline): Uncertain significance (1 of 4 stars; one submission).

Conditions:
Diarrhea 9. Identifiers: MedGen C4748517, MONDO:0032575, OMIM 618168.

Submission:

3billion
Classification: Uncertain significance for Diarrhea 9. Last evaluated: 2025-03-20. Review status: criteria provided, single submitter. Criteria: ACMG Guidelines, 2015. Collection method: clinical testing. Allele origin: germline. Affected: yes.
Comment: The variant is not observed in the gnomAD v4.1.0 dataset.Predicted Consequence/Location: Missense variant. The majority of the known disease-causing variants of this gene are variants expected to result in premature termination of the protein. In silico tool predictions suggest damaging effect of the variant on gene or gene product [REVEL: 0.96 (>=0.6, sensitivity 0.68 and specificity 0.92)]. Therefore, this variant is classified as VUS according to the recommendation of ACMG/AMP guideline.

NM_024494.3(WNT2B):c.443C>A (p.Ala148Glu)

Gene: WNT2B (Wnt family member 2B; plus strand). Cytogenetic location: 1p13.2.
Variant type: single nucleotide variant.
Coding change: c.443C>A on transcript NM_024494.3 (MANE Select); coding-DNA position 443, C replaced by A.
Protein change: p.Ala148Glu; replaces alanine 148 with glutamic acid.
Molecular consequence: missense variant.
Genome position (GRCh38, 1-based): chr1:112,516,179, C>A. VCF-style: chr1-112516179-C-A. GRCh37 (hg19) VCF-style: chr1-113058801-C-A.
Other names: c.167C>A, p.Ala56Glu (NM_001291880.1); c.386C>A, p.Ala129Glu (NM_004185.4); short protein forms A129E, A148E, A56E.
Identifiers: ClinVar variation 4072264 (VCV004072264.1).